The following is an entry in ClinVar:

ClinVar aggregate classification (germline): Benign. Review status: criteria provided, multiple submitters, no conflicts (2 of 4 stars). 6 submissions from 6 submitters: Benign (4). 2 of the submissions do not count toward it. Last evaluated 2026-02-04.

Conditions:
Progressive familial heart block type IB (PFHB1B). Identifiers: Orphanet 871, MedGen C1970298, MONDO:0011474, OMIM 604559.

Allele frequency attached by ClinVar (database versions not stated): 1000 Genomes Project 30x 0.01437; 1000 Genomes Project 0.01458; TOPMed 0.03734; ExAC 0.03891; gnomAD exomes 0.03927 and 0.05641; gnomAD 0.04064 and 0.04248; ESP Exome Variant Server 0.04206.
gnomAD v4.1: 86,226 of 1,582,508 alleles (5.4%); highest among the groups gnomAD compares: Non-Finnish European, 6.5%; 2,721 homozygotes.

Submissions (15):

Labcorp Genetics (formerly Invitae), Labcorp
Classification: Benign for Progressive familial heart block type IB. Last evaluated: 2026-02-04. Review status: criteria provided, single submitter. Criteria: Invitae Variant Classification Sherloc (09022015). Collection method: clinical testing. Allele origin: germline.

Blueprint Genetics
Classification: Benign. Last evaluated: 2024-11-27. Review status: criteria provided, single submitter. Criteria: ACMG Guidelines, 2015. Collection method: clinical testing. Allele origin: germline.

Women's Health and Genetics/Laboratory Corporation of America, LabCorp
Classification: Benign. Last evaluated: 2023-10-09. Review status: criteria provided, single submitter. Criteria: LabCorp Variant Classification Summary - May 2015. Collection method: clinical testing. Allele origin: germline.

GeneDx
Classification: Benign. Last evaluated: 2016-10-04. Review status: criteria provided, single submitter. Criteria: GeneDx Variant Classification (06012015). Collection method: clinical testing. Allele origin: germline. Affected: yes.
Comment: This variant is considered likely benign or benign based on one or more of the following criteria: it is a conservative change, it occurs at a poorly conserved position in the protein, it is predicted to be benign by multiple in silico algorithms, and/or has population frequency not consistent with disease.

Clinical Genetics, Academic Medical Center
Classification: Benign. Review status: no assertion criteria provided. Collection method: clinical testing. Allele origin: germline. Affected: yes. Study: VKGL Data-share Consensus. Not counted in ClinVar's aggregate classification.

Dr. Peter K. Rogan Lab, Western University
No classification provided (evidence only). Condition: Acute myeloid leukemia. Review status: no classification provided. Collection method: in vitro. Allele origin: not applicable. Functional consequence: retained intron. Not counted in ClinVar's aggregate classification.

Dr. Peter K. Rogan Lab, Western University
No classification provided (evidence only). Condition: Uterine corpus endometrial carcinoma. Review status: no classification provided. Collection method: in vitro. Allele origin: not applicable. Functional consequence: skipped exon, retained intron. Not counted in ClinVar's aggregate classification.

Dr. Peter K. Rogan Lab, Western University
No classification provided (evidence only). Condition: Uterine corpus endometrial carcinoma. Review status: no classification provided. Collection method: in vitro. Allele origin: not applicable. Functional consequence: skipped exon, retained intron. Not counted in ClinVar's aggregate classification.

Dr. Peter K. Rogan Lab, Western University
No classification provided (evidence only). Condition: Thymoma. Review status: no classification provided. Collection method: in vitro. Allele origin: not applicable. Functional consequence: retained intron. Not counted in ClinVar's aggregate classification.

Dr. Peter K. Rogan Lab, Western University
No classification provided (evidence only). Condition: Thymoma. Review status: no classification provided. Collection method: in vitro. Allele origin: not applicable. Functional consequence: retained intron. Not counted in ClinVar's aggregate classification.

Dr. Peter K. Rogan Lab, Western University
No classification provided (evidence only). Condition: Cholangiocarcinoma. Review status: no classification provided. Collection method: in vitro. Allele origin: not applicable. Functional consequence: retained intron. Not counted in ClinVar's aggregate classification.

Dr. Peter K. Rogan Lab, Western University
No classification provided (evidence only). Condition: Gastric cancer. Review status: no classification provided. Collection method: in vitro. Allele origin: not applicable. Functional consequence: retained intron. Not counted in ClinVar's aggregate classification.

Dr. Peter K. Rogan Lab, Western University
No classification provided (evidence only). Condition: Gastric cancer. Review status: no classification provided. Collection method: in vitro. Allele origin: not applicable. Functional consequence: retained intron. Not counted in ClinVar's aggregate classification.

Dr. Peter K. Rogan Lab, Western University
No classification provided (evidence only). Condition: Gastric cancer. Review status: no classification provided. Collection method: in vitro. Allele origin: not applicable. Functional consequence: retained intron. Not counted in ClinVar's aggregate classification.

Joint Genome Diagnostic Labs from Nijmegen and Maastricht, Radboudumc and MUMC+
Classification: Benign. Review status: no assertion criteria provided. Collection method: clinical testing. Allele origin: germline. Affected: yes. Study: VKGL Data-share Consensus. Not counted in ClinVar's aggregate classification.

NM_017636.4(TRPM4):c.1151-20T>A

Gene: TRPM4 (transient receptor potential cation channel subfamily M member 4; plus strand). Cytogenetic location: 19q13.33.
Variant type: single nucleotide variant.
Coding change: c.1151-20T>A on transcript NM_017636.4 (MANE Select); 20 bases into the intron before coding-DNA position 1151, T replaced by A.
Molecular consequence: intron variant.
Genome position (GRCh38, 1-based): chr19:49,181,329, T>A. VCF-style: chr19-49181329-T-A. GRCh37 (hg19) VCF-style: chr19-49684586-T-A.
Other names: c.1151-20T>A (NM_001195227.2); c.-403-20T>A (NM_001321282.2); c.806-20T>A (NM_001321281.2); c.629-20T>A (NM_001321283.2); c.202-1249T>A (NM_001321285.2).
Identifiers: ClinVar variation 381197 (VCV000381197.15), dbSNP rs11668638, ClinGen allele CA9569102.